The following is an entry in ClinVar:

NM_001353345.2(SETD1B):c.3636C>T (p.Asp1212=)

Gene: SETD1B (SET domain containing 1B, histone lysine methyltransferase; plus strand). Cytogenetic location: 12q24.31.
Variant type: single nucleotide variant.
Coding change: c.3636C>T on transcript NM_001353345.2 (MANE Select); coding-DNA position 3636, C replaced by T.
Protein change: p.Asp1212=; no amino-acid change (aspartic acid 1212 retained).
Molecular consequence: synonymous variant.
Genome position (GRCh38, 1-based): chr12:121,819,621, C>T. VCF-style: chr12-121819621-C-T. GRCh37 (hg19) VCF-style: chr12-122257527-C-T.
Identifiers: ClinVar variation 4821789 (VCV004821789.5).

ClinVar aggregate classification (germline): Likely benign. Review status: criteria provided, multiple submitters, no conflicts (2 of 4 stars). 2 submissions from 2 submitters: Likely benign (2). Last evaluated 2026-03-01.

gnomAD v4.1: 489 of 1,551,754 alleles (0.032%); highest among the groups gnomAD compares: African/African-American, 0.41%; 2 homozygotes.

Submissions (2):

CeGaT Center for Human Genetics Tuebingen
Classification: Likely benign. Last evaluated: 2026-03-01. Review status: criteria provided, single submitter. Criteria: CeGaT Center For Human Genetics Tuebingen Variant Classification Criteria Version 2. Collection method: clinical testing. Allele origin: germline. Affected: yes. Observed: 2 variant alleles.
Comment: SETD1B: BP4, BP7, BS1

Blueprint Genetics
Classification: Likely benign. Last evaluated: 2024-07-18. Review status: criteria provided, single submitter. Criteria: ACMG Guidelines, 2015. Collection method: clinical testing. Allele origin: germline.